The following is an entry in ClinVar:

NM_002691.4(POLD1):c.590G>A (p.Ser197Asn)

Gene: POLD1 (DNA polymerase delta 1, catalytic subunit; plus strand). Cytogenetic location: 19q13.33.
Variant type: single nucleotide variant.
Coding change: c.590G>A on transcript NM_002691.4 (MANE Select); coding-DNA position 590, G replaced by A.
Protein change: p.Ser197Asn; replaces serine 197 with asparagine.
Molecular consequence: missense variant. On other transcripts: non-coding transcript variant (1).
Genome position (GRCh38, 1-based): chr19:50,402,205, G>A. VCF-style: chr19-50402205-G-A. GRCh37 (hg19) VCF-style: chr19-50905462-G-A.
Other names: c.590G>A, p.Ser197Asn (NM_001256849.1, NM_001308632.1); short protein forms S197N.
Identifiers: ClinVar variation 537119 (VCV000537119.14), dbSNP rs780144670, ClinGen allele CA9595829.

ClinVar aggregate classification (germline): Uncertain significance. Review status: criteria provided, multiple submitters, no conflicts (2 of 4 stars). 3 submissions from 3 submitters: Uncertain significance (3). Last evaluated 2025-11-30.

Conditions:
Hereditary cancer-predisposing syndrome. Also called: Tumor predisposition; Neoplastic Syndromes, Hereditary; Hereditary Cancer Syndrome; Hereditary neoplastic syndrome. Identifiers: Orphanet 140162, MedGen C0027672, MeSH D009386, MONDO:0015356.
POLD1-related polyposis and colorectal cancer syndrome (CRCS10). Also called: Colorectal cancer 10; COLORECTAL CANCER, SUSCEPTIBILITY TO, ON CHROMOSOME 19q; Colorectal cancer, susceptibility to, 10. Identifiers: Orphanet 220460, MedGen C2675481, MONDO:0012953, OMIM 612591.

Allele frequency attached by ClinVar (database versions not stated): gnomAD below 0.00001 and 0.00001; ExAC 0.00001; gnomAD exomes 0.00001 and 0.00002.
gnomAD v4.1: 8 of 1,583,858 alleles (0.00051%); highest among the groups gnomAD compares: South Asian, 0.0093%; no homozygotes.

Submissions (3):

Labcorp Genetics (formerly Invitae), Labcorp
Classification: Uncertain significance for POLD1-related polyposis and colorectal cancer syndrome. Last evaluated: 2025-11-30. Review status: criteria provided, single submitter. Criteria: Invitae Variant Classification Sherloc (09022015). Collection method: clinical testing. Allele origin: germline.
Comment: This sequence change replaces serine, which is neutral and polar, with asparagine, which is neutral and polar, at codon 197 of the POLD1 protein (p.Ser197Asn). This variant is present in population databases (rs780144670, gnomAD 0.02%). This variant has not been reported in the literature in individuals affected with POLD1-related conditions. ClinVar contains an entry for this variant (Variation ID: 537119). An algorithm developed to predict the effect of missense changes on protein structure and function (PolyPhen-2) suggests that this variant is likely to be tolerated. In summary, the available evidence is currently insufficient to determine the role of this variant in disease. Therefore, it has been classified as a Variant of Uncertain Significance.

Ambry Genetics
Classification: Uncertain significance for Hereditary cancer-predisposing syndrome. Last evaluated: 2023-07-27. Review status: criteria provided, single submitter. Criteria: Ambry Variant Classification Scheme 2023. Collection method: clinical testing. Allele origin: germline.
Comment: The p.S197N variant (also known as c.590G>A) is located in coding exon 5 of the POLD1 gene. The serine at codon 197 is replaced by asparagine, an amino acid with highly similar properties. This change occurs in the first base pair of coding exon 5. This amino acid position is conserved. In addition, this alteration is predicted to be tolerated by in silico analysis. Since supporting evidence is limited at this time, the clinical significance of this alteration remains unclear.

GeneDx
Classification: Uncertain significance. Last evaluated: 2022-09-28. Review status: criteria provided, single submitter. Criteria: GeneDx Variant Classification Process June 2021. Collection method: clinical testing. Allele origin: germline. Affected: yes.
Comment: Not observed at significant frequency in large population cohorts (gnomAD); In silico analysis supports that this missense variant does not alter protein structure/function; Has not been previously published as pathogenic or benign to our knowledge